The following is an entry in ClinVar:

ClinVar aggregate classification (germline): Uncertain significance (1 of 4 stars; one submission).

Allele frequency attached by ClinVar (database versions not stated): gnomAD exomes below 0.00001.
gnomAD v4.1: 2 of 1,613,398 alleles (0.00012%); highest among the groups gnomAD compares: East Asian, 0.0022%; no homozygotes.

Submission:

Labcorp Genetics (formerly Invitae), Labcorp
Classification: Uncertain significance. Last evaluated: 2023-03-31. Review status: criteria provided, single submitter. Criteria: Invitae Variant Classification Sherloc (09022015). Collection method: clinical testing. Allele origin: germline.
Comment: This sequence change replaces glutamic acid, which is acidic and polar, with glycine, which is neutral and non-polar, at codon 239 of the FBLN5 protein (p.Glu239Gly). This variant has not been reported in the literature in individuals affected with FBLN5-related conditions. This variant is present in population databases (no rsID available, gnomAD 0.006%). Advanced modeling of protein sequence and biophysical properties (such as structural, functional, and spatial information, amino acid conservation, physicochemical variation, residue mobility, and thermodynamic stability) performed at Invitae indicates that this missense variant is not expected to disrupt FBLN5 protein function. In summary, the available evidence is currently insufficient to determine the role of this variant in disease. Therefore, it has been classified as a Variant of Uncertain Significance.

NM_006329.4(FBLN5):c.716A>G (p.Glu239Gly)

Gene: FBLN5 (fibulin 5; minus strand). Cytogenetic location: 14q32.12.
Variant type: single nucleotide variant.
Coding change: c.716A>G on transcript NM_006329.4 (MANE Select); coding-DNA position 716, A replaced by G.
Protein change: p.Glu239Gly; replaces glutamic acid 239 with glycine.
Molecular consequence: missense variant.
Genome position (GRCh38, 1-based): chr14:91,887,216, T>C on the plus strand (A>G on the coding strand, the complement: FBLN5 is on the minus strand). VCF-style: chr14-91887216-T-C. GRCh37 (hg19) VCF-style: chr14-92353560-T-C.
Other names: c.839A>G, p.Glu280Gly (NM_001384158.1); c.767A>G, p.Glu256Gly (NM_001384159.1); c.716A>G, p.Glu239Gly (NM_001384160.1); c.548A>G, p.Glu183Gly (NM_001384161.1, NM_001384162.1); short protein forms E280G, E183G, E239G, E256G.
Identifiers: ClinVar variation 2787537 (VCV002787537.3), dbSNP rs1246495555, ClinGen allele CA390642576.
Genomic context (GRCh38, chr14:91,887,216, plus strand): 5'-AGTACAGGTGGAAGTTTCCAATGCGAAAGCCCATTACCACTGCAATGAACGCCATCTTCC[T>C]CAAGTTCATATCCTGGGTCACAGCGGCAGATGAAAGAGCCGTAGGTGTTGACGCAGGTTT-3'
Protein context (NP_006320.2, residues 229-249): ICRCDPGYEL[Glu239Gly]EDGVHCSDMD